The following is an entry in ClinVar:

ClinVar aggregate classification (germline): Uncertain significance (1 of 4 stars; one submission).

Allele frequency attached by ClinVar (database versions not stated): ExAC 0.00001; gnomAD 0.00001; TOPMed 0.00001; 1000 Genomes Project 0.00020; 1000 Genomes Project 30x 0.00031.
gnomAD v4.1: 1 of 1,614,178 alleles (0.000062%); highest among the groups gnomAD compares: Admixed American, 0.0017%; no homozygotes.

Submission:

Ambry Genetics
Classification: Uncertain significance. Last evaluated: 2022-09-24. Review status: criteria provided, single submitter. Criteria: Ambry Variant Classification Scheme 2023. Collection method: clinical testing. Allele origin: germline.
Comment: The p.S1612L variant (also known as c.4835C>T), located in coding exon 4 of the ALPK2 gene, results from a C to T substitution at nucleotide position 4835. The serine at codon 1612 is replaced by leucine, an amino acid with dissimilar properties. This amino acid position is conserved. In addition, this alteration is predicted to be tolerated by in silico analysis. Since supporting evidence is limited at this time, the clinical significance of this alteration remains unclear.

NM_052947.4(ALPK2):c.4835C>T (p.Ser1612Leu)

Genes: ALPK2 (alpha kinase 2; minus strand), LOC126862764 (BRD4-independent group 4 enhancer GRCh37_chr18:56202574-56203773; plus strand). Cytogenetic location: 18q21.31.
Variant type: single nucleotide variant.
Coding change: c.4835C>T on transcript NM_052947.4 (MANE Select); coding-DNA position 4835, C replaced by T.
Protein change: p.Ser1612Leu; replaces serine 1612 with leucine.
Molecular consequence: missense variant.
Genome position (GRCh38, 1-based): chr18:58,535,352, G>A on the plus strand (C>T on the coding strand, the complement: ALPK2 is on the minus strand). VCF-style: chr18-58535352-G-A. GRCh37 (hg19) VCF-style: chr18-56202584-G-A.
Other names: short protein forms S1612L.
Identifiers: ClinVar variation 1743454 (VCV001743454.2), dbSNP rs199847239, ClinGen allele CA8976628.
Genomic context (GRCh38, chr18:58,535,352, plus strand): 5'-ATTTTAGGTTCCTCCATTTTGTGGCTTATCAAAAAGTCTGTGACATTTCCTTCAGGAGAT[G>A]AAGTACAAGGGAACCTGGTAAGATCAGGAGAAGAGGGCAAAGGTTTCCCACGCTCATTCT-3'
Protein context (NP_443179.3, residues 1602-1622): SPDLTRFPCT[Ser1612Leu]SPEGNVTDFL